The following is an entry in ClinVar:

NM_001378457.1(DMXL2):c.212G>C (p.Arg71Thr)

Gene: DMXL2 (Dmx like 2; minus strand). Cytogenetic location: 15q21.2.
Variant type: single nucleotide variant.
Coding change: c.212G>C on transcript NM_001378457.1 (MANE Select); coding-DNA position 212, G replaced by C.
Protein change: p.Arg71Thr; replaces arginine 71 with threonine.
Molecular consequence: missense variant. On other transcripts: non-coding transcript variant (2).
Genome position (GRCh38, 1-based): chr15:51,576,057, C>G on the plus strand (G>C on the coding strand, the complement: DMXL2 is on the minus strand). VCF-style: chr15-51576057-C-G. GRCh37 (hg19) VCF-style: chr15-51868254-C-G.
Other names: c.212G>C, p.Arg71Thr (NM_001174116.3, NM_001174117.3, NM_001378458.1 and 7 more transcripts); short protein forms R71T.
Identifiers: ClinVar variation 1506937 (VCV001506937.8), dbSNP rs374560525, ClinGen allele CA7562911.

ClinVar aggregate classification (germline): Uncertain significance (1 of 4 stars; one submission).

Allele frequency attached by ClinVar (database versions not stated): gnomAD 0.00001; gnomAD exomes 0.00001; TOPMed 0.00001; ExAC 0.00003; ESP Exome Variant Server 0.00008.
gnomAD v4.1: 30 of 1,602,894 alleles (0.0019%); highest among the groups gnomAD compares: Non-Finnish European, 0.0025%; no homozygotes.

Submission:

Labcorp Genetics (formerly Invitae), Labcorp
Classification: Uncertain significance. Last evaluated: 2021-02-02. Review status: criteria provided, single submitter. Criteria: Invitae Variant Classification Sherloc (09022015). Collection method: clinical testing. Allele origin: germline.
Comment: This variant has not been reported in the literature in individuals with DMXL2-related conditions. This variant is present in population databases (rs374560525, ExAC 0.006%). This sequence change replaces arginine with threonine at codon 71 of the DMXL2 protein (p.Arg71Thr). The arginine residue is moderately conserved and there is a moderate physicochemical difference between arginine and threonine. Algorithms developed to predict the effect of missense changes on protein structure and function are either unavailable or do not agree on the potential impact of this missense change (SIFT: "Tolerated"; PolyPhen-2: "Probably Damaging"; Align-GVGD: "Class C0"). In summary, the available evidence is currently insufficient to determine the role of this variant in disease. Therefore, it has been classified as a Variant of Uncertain Significance.